The following is an entry in ClinVar:

NM_003322.6(TULP1):c.1148A>G (p.Asp383Gly)

Gene: TULP1 (TUB like protein 1; minus strand). Cytogenetic location: 6p21.31.
Variant type: single nucleotide variant.
Coding change: c.1148A>G on transcript NM_003322.6 (MANE Select); coding-DNA position 1148, A replaced by G.
Protein change: p.Asp383Gly; replaces aspartic acid 383 with glycine.
Molecular consequence: missense variant.
Genome position (GRCh38, 1-based): chr6:35,503,813, T>C on the plus strand (A>G on the coding strand, the complement: TULP1 is on the minus strand). VCF-style: chr6-35503813-T-C. GRCh37 (hg19) VCF-style: chr6-35471590-T-C.
Other names: c.989A>G, p.Asp330Gly (NM_001289395.2); short protein forms D330G, D383G.
Identifiers: ClinVar variation 1713528 (VCV001713528.6), dbSNP rs2533788840, ClinGen allele CA363779402.

ClinVar aggregate classification (germline): Likely pathogenic (1 of 4 stars; one submission).

Submission:

Labcorp Genetics (formerly Invitae), Labcorp
Classification: Likely pathogenic. Last evaluated: 2023-05-08. Review status: criteria provided, single submitter. Criteria: Invitae Variant Classification Sherloc (09022015). Collection method: clinical testing. Allele origin: germline.
Comment: In summary, the currently available evidence indicates that the variant is pathogenic, but additional data are needed to prove that conclusively. Therefore, this variant has been classified as Likely Pathogenic. This variant disrupts the p.Asp383 amino acid residue in TULP1. Other variant(s) that disrupt this residue have been determined to be pathogenic (Invitae). This suggests that this residue is clinically significant, and that variants that disrupt this residue are likely to be disease-causing. Advanced modeling of protein sequence and biophysical properties (such as structural, functional, and spatial information, amino acid conservation, physicochemical variation, residue mobility, and thermodynamic stability) performed at Invitae indicates that this missense variant is expected to disrupt TULP1 protein function. ClinVar contains an entry for this variant (Variation ID: 1713528). This variant has not been reported in the literature in individuals affected with TULP1-related conditions. This variant is not present in population databases (gnomAD no frequency). This sequence change replaces aspartic acid, which is acidic and polar, with glycine, which is neutral and non-polar, at codon 383 of the TULP1 protein (p.Asp383Gly).